The following is an entry in ClinVar:

NM_002485.5(NBN):c.1986_2001del (p.Val663fs)

Gene: NBN (nibrin; minus strand). Cytogenetic location: 8q21.3.
Variant type: Deletion.
Coding change: c.1986_2001del on transcript NM_002485.5 (MANE Select); coding-DNA positions 1986 to 2001, 16 bases deleted (GGTGATTAAAAACTCT).
Protein change: p.Val663fs; shifts the reading frame from valine 663.
Molecular consequence: frameshift variant.
Genome position (GRCh38, 1-based): chr8:89,946,209-89,946,224, AGAGTTTTTAATCACC deleted on the plus strand (GGTGATTAAAAACTCT on the coding strand, the reverse complement: NBN is on the minus strand); deleting any 16 consecutive bases within chr8:89,946,209-89,946,226 gives the same sequence; the c. name uses the placement nearest the transcript's 3' end. VCF-style (leftmost placement, unchanged base first): chr8-89946208-TAGAGTTTTTAATCACC-T. GRCh37 (hg19) VCF-style: chr8-90958436-TAGAGTTTTTAATCACC-T.
Other names: c.1740_1755del, p.Val581fs (NM_001024688.3); short protein forms V581fs, V663fs.
Identifiers: ClinVar variation 1069236 (VCV001069236.7), dbSNP rs2129647483, ClinGen allele CA2499219410.
Genomic context (GRCh38, chr8:89,946,208, plus strand): 5'-ATTTCTTGAAATTTTTTAGTTGACCATAATCATCATTTATGCCAGATGGATTTCTGGAAG[TAGAGTTTTTAATCACC>T]AGTGATCTAAATTCAGTCAATAACAGCTTTTTTGGAAGCATCTCACTATCATCCTGAAGT-3'

ClinVar aggregate classification (germline): Pathogenic (1 of 4 stars; one submission).

Conditions:
Microcephaly, normal intelligence and immunodeficiency (NBS). Also called: Microcephaly with normal intelligence immunodeficiency and lymphoreticular malignancies; Nonsyndromal microcephaly autosomal recessive with normal intelligence; Seemanova syndrome 2; SEEMANOVA SYNDROME II; BERLIN BREAKAGE SYNDROME; Immunodeficiency, microcephaly with normal intelligence. Identifiers: Orphanet 647, MedGen C0398791, MONDO:0009623, OMIM 251260.

Submission:

Labcorp Genetics (formerly Invitae), Labcorp
Classification: Pathogenic for Microcephaly, normal intelligence and immunodeficiency. Last evaluated: 2021-10-18. Review status: criteria provided, single submitter. Criteria: Invitae Variant Classification Sherloc (09022015). Collection method: clinical testing. Allele origin: germline.
Comment: This sequence change creates a premature translational stop signal (p.Val663Leufs*8) in the NBN gene. It is expected to result in an absent or disrupted protein product. This variant is not present in population databases (ExAC no frequency). This variant has not been reported in the literature in individuals with NBN-related conditions. Loss-of-function variants in NBN are known to be pathogenic (PMID: 9590180, 16415040). For these reasons, this variant has been classified as Pathogenic.

Literature cited by the submitters: PubMed 9590180; PubMed 16415040.